The following is an entry in ClinVar:

NM_012210.4(TRIM32):c.661G>A (p.Val221Ile)

Genes: ASTN2 (astrotactin 2; minus strand), TRIM32 (tripartite motif containing 32; plus strand). Cytogenetic location: 9q33.1.
Variant type: single nucleotide variant.
Coding change: c.661G>A on transcript NM_012210.4 (MANE Select); coding-DNA position 661, G replaced by A.
Protein change: p.Val221Ile; replaces valine 221 with isoleucine.
Molecular consequence: missense variant. On other transcripts: intron variant (3).
Genome position (GRCh38, 1-based): chr9:116,698,403, G>A. VCF-style: chr9-116698403-G-A. GRCh37 (hg19) VCF-style: chr9-119460682-G-A.
Other names: c.661G>A, p.Val221Ile (NM_001099679.2, NM_001379048.1, NM_001379049.1 and 1 more transcripts); c.2653+27368C>T (NM_014010.5); c.2794+27368C>T (NM_001365069.1); c.2806+27368C>T (NM_001365068.1); short protein forms V221I.
Identifiers: ClinVar variation 2086311 (VCV002086311.1), dbSNP rs758553325, ClinGen allele CA5211021.

ClinVar aggregate classification (germline): Uncertain significance (1 of 4 stars; one submission).

Conditions:
Bardet-Biedl syndrome (BBS). Identifiers: Orphanet 110, MedGen C0752166, MONDO:0015229.

Allele frequency attached by ClinVar (database versions not stated): ExAC 0.00001; gnomAD 0.00001; TOPMed 0.00001.
gnomAD v4.1: 2 of 1,614,136 alleles (0.00012%); highest among the groups gnomAD compares: East Asian, 0.0022%; no homozygotes.

Submission:

Labcorp Genetics (formerly Invitae), Labcorp
Classification: Uncertain significance for Bardet-Biedl syndrome. Last evaluated: 2022-03-24. Review status: criteria provided, single submitter. Criteria: Invitae Variant Classification Sherloc (09022015). Collection method: clinical testing. Allele origin: germline.
Comment: This sequence change replaces valine, which is neutral and non-polar, with isoleucine, which is neutral and non-polar, at codon 221 of the TRIM32 protein (p.Val221Ile). This variant is present in population databases (rs758553325, gnomAD 0.0009%). This variant has not been reported in the literature in individuals affected with TRIM32-related conditions. Algorithms developed to predict the effect of missense changes on protein structure and function output the following: SIFT: "Tolerated"; PolyPhen-2: "Benign"; Align-GVGD: "Class C0". The isoleucine amino acid residue is found in multiple mammalian species, which suggests that this missense change does not adversely affect protein function. In summary, the available evidence is currently insufficient to determine the role of this variant in disease. Therefore, it has been classified as a Variant of Uncertain Significance.